The following is an entry in ClinVar:

ClinVar aggregate classification (germline): Benign. Review status: criteria provided, multiple submitters, no conflicts (2 of 4 stars). 4 submissions from 4 submitters: Benign (3). 1 of the submissions does not count toward it. Last evaluated 2026-01-27.

Conditions:
RARS1-related disorder. Also called: RARS1-related condition.

Allele frequency attached by ClinVar (database versions not stated): gnomAD 0.00357 and 0.00473; ESP Exome Variant Server 0.00362; TOPMed 0.00389; gnomAD exomes 0.00698 and 0.00728; ExAC 0.00842; 1000 Genomes Project 30x 0.00984; 1000 Genomes Project 0.01038.
gnomAD v4.1: 10,735 of 1,595,528 alleles (0.67%); highest among the groups gnomAD compares: South Asian, 3.5%; 126 homozygotes.

Submissions (4):

Labcorp Genetics (formerly Invitae), Labcorp
Classification: Benign. Last evaluated: 2026-01-27. Review status: criteria provided, single submitter. Criteria: Invitae Variant Classification Sherloc (09022015). Collection method: clinical testing. Allele origin: germline.

Mayo Clinic Laboratories, Mayo Clinic
Classification: Benign. Last evaluated: 2024-12-17. Review status: criteria provided, single submitter. Criteria: ACMG Guidelines, 2015. Collection method: clinical testing. Allele origin: germline. Observed: 5 variant alleles.
Comment: BA1, BP4_moderate

GeneDx
Classification: Benign. Last evaluated: 2016-02-17. Review status: criteria provided, single submitter. Criteria: GeneDx Variant Classification (06012015). Collection method: clinical testing. Allele origin: germline. Affected: yes.
Comment: This variant is considered likely benign or benign based on one or more of the following criteria: it is a conservative change, it occurs at a poorly conserved position in the protein, it is predicted to be benign by multiple in silico algorithms, and/or has population frequency not consistent with disease.

PreventionGenetics, part of Exact Sciences
Classification: Benign for RARS1-related condition. Last evaluated: 2019-04-17. Review status: no assertion criteria provided. Collection method: clinical testing. Allele origin: germline. Not counted in ClinVar's aggregate classification.
Comment: This variant is classified as benign based on ACMG/AMP sequence variant interpretation guidelines (Richards et al. 2015 PMID: 25741868, with internal and published modifications).

NM_002887.4(RARS1):c.982G>A (p.Val328Ile)

Gene: RARS1 (arginyl-tRNA synthetase 1; plus strand). Cytogenetic location: 5q34.
Variant type: single nucleotide variant.
Coding change: c.982G>A on transcript NM_002887.4 (MANE Select); coding-DNA position 982, G replaced by A.
Protein change: p.Val328Ile; replaces valine 328 with isoleucine.
Molecular consequence: missense variant.
Genome position (GRCh38, 1-based): chr5:168,502,030, G>A. VCF-style: chr5-168502030-G-A. GRCh37 (hg19) VCF-style: chr5-167929035-G-A.
Other names: p.Val328Ile; short protein forms V328I.
Identifiers: ClinVar variation 380574 (VCV000380574.15), dbSNP rs62385662, ClinGen allele CA3549788.